The following is an entry in ClinVar:

ClinVar aggregate classification (germline): Benign/Likely benign. Review status: criteria provided, multiple submitters, no conflicts (2 of 4 stars). 11 submissions from 11 submitters: Benign (1); Likely benign (8). 2 of the submissions do not count toward it. Last evaluated 2026-01-28.

Conditions:
Familial ovarian cancer. Identifiers: MedGen C5679802, MONDO:0016248.
STK11-related disorder. Also called: STK11-related condition.
Hereditary cancer-predisposing syndrome. Also called: Neoplastic Syndromes, Hereditary; Tumor predisposition; Hereditary Cancer Syndrome; Hereditary neoplastic syndrome. Identifiers: Orphanet 140162, MedGen C0027672, MeSH D009386, MONDO:0015356.
Peutz-Jeghers syndrome (PJS). Also called: Peutz-Jeghers polyposis; Periorificial lentiginosis syndrome; POLYPOSIS, HAMARTOMATOUS INTESTINAL; POLYPS-AND-SPOTS SYNDROME. Identifiers: Orphanet 2869, MedGen C0031269, MeSH D010580, MONDO:0008280, OMIM 175200.

Allele frequency attached by ClinVar (database versions not stated): gnomAD 0.00001; TOPMed 0.00002; gnomAD exomes 0.00003.
gnomAD v4.1: 18 of 1,508,680 alleles (0.0012%); highest among the groups gnomAD compares: Admixed American, 0.0038%; no homozygotes.

Submissions (11):

Labcorp Genetics (formerly Invitae), Labcorp
Classification: Likely benign for Peutz-Jeghers syndrome. Last evaluated: 2026-01-28. Review status: criteria provided, single submitter. Criteria: Invitae Variant Classification Sherloc (09022015). Collection method: clinical testing. Allele origin: germline.

Center for Genomic Medicine, Rigshospitalet, Copenhagen University Hospital
Classification: Likely benign. Last evaluated: 2025-12-29. Review status: criteria provided, single submitter. Criteria: ACMG Guidelines, 2015. Collection method: clinical testing. Allele origin: germline.

Quest Diagnostics Nichols Institute San Juan Capistrano
Classification: Likely benign. Last evaluated: 2025-02-12. Review status: criteria provided, single submitter. Criteria: Quest Diagnostics criteria. Collection method: clinical testing. Allele origin: unknown.

Myriad Genetics, Inc.
Classification: Likely benign for Peutz-Jeghers syndrome. Last evaluated: 2023-04-12. Review status: criteria provided, single submitter. Criteria: Myriad Autosomal Dominant, Autosomal Recessive and X-Linked Classification Criteria (2023). Collection method: clinical testing. Allele origin: unknown.
Comment: This variant is considered likely benign. This variant is intronic and is not expected to impact mRNA splicing.

Genome-Nilou Lab
Classification: Likely benign for Peutz-Jeghers syndrome. Last evaluated: 2021-07-15. Review status: criteria provided, single submitter. Criteria: ACMG Guidelines, 2015. Collection method: clinical testing. Allele origin: germline. Affected: no.

Blueprint Genetics
Classification: Likely benign. Last evaluated: 2021-07-07. Review status: criteria provided, single submitter. Criteria: ACMG Guidelines, 2015. Collection method: clinical testing. Allele origin: germline.

Department of Pathology and Laboratory Medicine, Sinai Health System
Classification: Likely benign for familial ovarian cancer. Last evaluated: 2021-06-07. Review status: criteria provided, single submitter. Criteria: ACMG Guidelines, 2015. Collection method: clinical testing. Allele origin: germline. Affected: yes.

Color Diagnostics, LLC DBA Color Health
Classification: Likely benign for Hereditary cancer-predisposing syndrome. Last evaluated: 2015-10-09. Review status: criteria provided, single submitter. Criteria: ACMG Guidelines, 2015. Collection method: clinical testing. Allele origin: germline.

GeneDx
Classification: Benign. Last evaluated: 2015-09-22. Review status: criteria provided, single submitter. Criteria: GeneDx Variant Classification Process June 2021. Collection method: clinical testing. Allele origin: germline. Affected: yes.

PreventionGenetics, part of Exact Sciences
Classification: Likely benign for STK11-related condition. Last evaluated: 2019-10-23. Review status: no assertion criteria provided. Collection method: clinical testing. Allele origin: germline. Not counted in ClinVar's aggregate classification.
Comment: This variant is classified as likely benign based on ACMG/AMP sequence variant interpretation guidelines (Richards et al. 2015 PMID: 25741868, with internal and published modifications).

Counsyl
Classification: Likely benign for Peutz-Jeghers syndrome. Last evaluated: 2018-01-18. Review status: no assertion criteria provided. Collection method: clinical testing. Allele origin: unknown. Not counted in ClinVar's aggregate classification.

NM_000455.5(STK11):c.464+8C>T

Gene: STK11 (serine/threonine kinase 11; plus strand). Cytogenetic location: 19p13.3.
Variant type: single nucleotide variant.
Coding change: c.464+8C>T on transcript NM_000455.5 (MANE Select); 8 bases into the intron after coding-DNA position 464, C replaced by T.
Molecular consequence: intron variant.
Genome position (GRCh38, 1-based): chr19:1,219,421, C>T. VCF-style: chr19-1219421-C-T. GRCh37 (hg19) VCF-style: chr19-1219420-C-T.
Identifiers: ClinVar variation 216432 (VCV000216432.24), dbSNP rs863224669, ClinGen allele CA336644.
Genomic context (GRCh38, chr19:1,219,421, plus strand): 5'-GAAATGCTGGACAGCGTGCCGGAGAAGCGTTTCCCAGTGTGCCAGGCCCACGGGTGCGTG[C>T]GCGGGGCAGGGGCCAGGGTGGGGCGGGGGCCGGGGGCCAGGCAGGGCAGGCTCCTTTCCG-3'